The following is an entry in ClinVar:

ClinVar aggregate classification (germline): Likely benign (1 of 4 stars; one submission).

Allele frequency attached by ClinVar (database versions not stated): 1000 Genomes Project 0.00080; 1000 Genomes Project 30x 0.00094; TOPMed 0.00228; gnomAD 0.00234; ESP Exome Variant Server 0.00259; ExAC 0.00528.
gnomAD v4.1: 6,127 of 1,590,110 alleles (0.39%); highest among the groups gnomAD compares: Non-Finnish European, 0.5%; 18 homozygotes.

Submission:

CeGaT Center for Human Genetics Tuebingen
Classification: Likely benign. Last evaluated: 2022-11-01. Review status: criteria provided, single submitter. Criteria: CeGaT Center For Human Genetics Tuebingen Variant Classification Criteria Version 2. Collection method: clinical testing. Allele origin: germline. Affected: yes. Observed: 1 variant allele.
Comment: FAM184A: BP4, BP7, BS2

NM_024581.6(FAM184A):c.114G>A (p.Gln38=)

Gene: FAM184A (family with sequence similarity 184 member A; minus strand). Cytogenetic location: 6q22.31.
Variant type: single nucleotide variant.
Coding change: c.114G>A on transcript NM_024581.6 (MANE Select); coding-DNA position 114, G replaced by A.
Protein change: p.Gln38=; no amino-acid change (glutamine 38 retained).
Molecular consequence: synonymous variant. On other transcripts: intron variant (2).
Genome position (GRCh38, 1-based): chr6:119,078,186, C>T on the plus strand (G>A on the coding strand, the complement: FAM184A is on the minus strand). VCF-style: chr6-119078186-C-T. GRCh37 (hg19) VCF-style: chr6-119399351-C-T.
Other names: c.-201-53373G>A (NM_001288576.2, NM_001100411.3).
Identifiers: ClinVar variation 2656891 (VCV002656891.24), dbSNP rs370600021, ClinGen allele CA3979727.
Genomic context (GRCh38, chr6:119,078,186, plus strand): 5'-CGCTGCCCCCCTTACCTTGGTGAGCTGGGCGATTTTCTTGCTCATTTTCAGGTGCATCTC[C>T]TGGCTGTAGTCCATGCTGTGCCCAGCCAGCTGTGCGGTGGCCGGCGAGGGCGCGAATTTG-3'
Protein context (NP_078857.5, residues 28-48): QLAGHSMDYS[Gln38=]EMHLKMSKKI